The following is an entry in ClinVar:

NM_018648.4(NOP10):c.54+6G>A

Gene: NOP10 (NOP10 ribonucleoprotein; minus strand). Cytogenetic location: 15q14.
Variant type: single nucleotide variant.
Coding change: c.54+6G>A on transcript NM_018648.4 (MANE Select); 6 bases into the intron after coding-DNA position 54, G replaced by A.
Molecular consequence: intron variant.
Genome position (GRCh38, 1-based): chr15:34,343,014, C>T on the plus strand (G>A on the coding strand, the complement: NOP10 is on the minus strand). VCF-style: chr15-34343014-C-T. GRCh37 (hg19) VCF-style: chr15-34635215-C-T.
Identifiers: ClinVar variation 3662437 (VCV003662437.2).
Genomic context (GRCh38, chr15:34,343,014, plus strand): 5'-ACCTCACCCACTCCTCCCATCTACATTTCTCGCCATGCCTATTTACACCCTGTTTTCTCT[C>T]CTCACCTTCAGCGTATAGACTCGATCTCCCTGCTCGTTGAGGTAATACTGGAGAAACATG-3'

ClinVar aggregate classification (germline): Uncertain significance (1 of 4 stars; one submission).

Conditions:
Dyskeratosis congenita, autosomal recessive 1. Identifiers: Orphanet 1775, MedGen C1857144, MONDO:0009136, OMIM 224230.

Submission:

Labcorp Genetics (formerly Invitae), Labcorp
Classification: Uncertain significance for Dyskeratosis congenita, autosomal recessive 1. Last evaluated: 2024-08-31. Review status: criteria provided, single submitter. Criteria: Invitae Variant Classification Sherloc (09022015). Collection method: clinical testing. Allele origin: germline.
Comment: This sequence change falls in intron 1 of the NOP10 gene. It does not directly change the encoded amino acid sequence of the NOP10 protein. It affects a nucleotide within the consensus splice site. This variant is not present in population databases (gnomAD no frequency). This variant has not been reported in the literature in individuals affected with NOP10-related conditions. Variants that disrupt the consensus splice site are a relatively common cause of aberrant splicing (PMID: 17576681, 9536098). Algorithms developed to predict the effect of sequence changes on RNA splicing suggest that this variant is not likely to affect RNA splicing. In summary, the available evidence is currently insufficient to determine the role of this variant in disease. Therefore, it has been classified as a Variant of Uncertain Significance.

Literature cited by the submitters: PubMed 17576681; PubMed 9536098.